The following is an entry in ClinVar:

ClinVar aggregate classification (germline): Uncertain significance (1 of 4 stars; one submission).

Conditions:
MC4R-related disorder. Also called: MC4R-related condition.

Submission:

PreventionGenetics, part of Exact Sciences
Classification: Uncertain significance for MC4R-related condition. Last evaluated: 2024-12-18. Review status: criteria provided, single submitter. Criteria: ACMG Guidelines, 2015. Collection method: clinical testing. Allele origin: germline.
Comment: The MC4R c.232C>A variant is predicted to result in the amino acid substitution p.Pro78Thr. To our knowledge, this variant has not been reported in the literature or in a large population database (gnomAD), indicating this variant is rare. Different substitutions affecting the same amino acid (p.Pro78His & p.Pro78Leu) have been reported in individuals with obesity (Nalbantoğlu et al. 2022. PubMed ID: 35801948; Hinney et al. 1999. PubMed ID: 10199800). This variant could be pathogenic. At this time, the clinical significance of this variant is uncertain due to the absence of conclusive functional and genetic evidence.

NM_005912.3(MC4R):c.232C>A (p.Pro78Thr)

Gene: MC4R (melanocortin 4 receptor; minus strand). Cytogenetic location: 18q21.32.
Variant type: single nucleotide variant.
Coding change: c.232C>A on transcript NM_005912.3 (MANE Select); coding-DNA position 232, C replaced by A.
Protein change: p.Pro78Thr; replaces proline 78 with threonine.
Molecular consequence: missense variant.
Genome position (GRCh38, 1-based): chr18:60,372,118, G>T on the plus strand (C>A on the coding strand, the complement: MC4R is on the minus strand). VCF-style: chr18-60372118-G-T. GRCh37 (hg19) VCF-style: chr18-58039351-G-T.
Other names: short protein forms P78T.
Identifiers: ClinVar variation 4998705 (VCV004998705.1).
Genomic context (GRCh38, chr18:60,372,118, plus strand): 5'-CATTTGAAACGCTCACCAGCATATCAGCCACAGCCAAGCTGCAGATGAAAAAGTACATGG[G>T]TGAATGCAGATTCTTGTTCTTGGCTATTGCCACAATCACTAAGATATTCTCCAACAAGCT-3'
Protein context (NP_005903.2, residues 68-88): AIAKNKNLHS[Pro78Thr]MYFFICSLAV